The following is an entry in ClinVar:

ClinVar aggregate classification (germline): Conflicting classifications of pathogenicity. Review status: criteria provided, conflicting classifications (1 of 4 stars). 2 submissions from 2 submitters: Uncertain significance (1); Likely benign (1). Last evaluated 2025-12-24.

Allele frequency attached by ClinVar (database versions not stated): gnomAD exomes 0.00001; ExAC 0.00006; gnomAD 0.00006; TOPMed 0.00008; ESP Exome Variant Server 0.00010.

Submissions (2):

Labcorp Genetics (formerly Invitae), Labcorp
Classification: Uncertain significance. Last evaluated: 2025-12-24. Review status: criteria provided, single submitter. Criteria: Invitae Variant Classification Sherloc (09022015). Collection method: clinical testing. Allele origin: germline.
Comment: This sequence change replaces threonine, which is neutral and polar, with isoleucine, which is neutral and non-polar, at codon 408 of the CFP protein (p.Thr408Ile). The frequency data for this variant in the population databases is considered unreliable, as metrics indicate poor data quality at this position in the gnomAD database. This variant has not been reported in the literature in individuals affected with CFP-related conditions. ClinVar contains an entry for this variant (Variation ID: 2189538). Invitae Evidence Modeling of protein sequence and biophysical properties (such as structural, functional, and spatial information, amino acid conservation, physicochemical variation, residue mobility, and thermodynamic stability) indicates that this missense variant is not expected to disrupt CFP protein function with a negative predictive value of 80%. In summary, the available evidence is currently insufficient to determine the role of this variant in disease. Therefore, it has been classified as a Variant of Uncertain Significance.

Blueprint Genetics
Classification: Likely benign. Last evaluated: 2024-06-10. Review status: criteria provided, single submitter. Criteria: ACMG Guidelines, 2015. Collection method: clinical testing. Allele origin: germline.

NM_001145252.3(CFP):c.1223C>T (p.Thr408Ile)

Gene: CFP (complement factor properdin; minus strand). Cytogenetic location: Xp11.23.
Variant type: single nucleotide variant.
Coding change: c.1223C>T on transcript NM_001145252.3 (MANE Select); coding-DNA position 1223, C replaced by T.
Protein change: p.Thr408Ile; replaces threonine 408 with isoleucine.
Molecular consequence: missense variant.
Genome position (GRCh38, 1-based): chrX:47,626,079, G>A on the plus strand (C>T on the coding strand, the complement: CFP is on the minus strand). VCF-style: chrX-47626079-G-A. GRCh37 (hg19) VCF-style: chrX-47485478-G-A.
Other names: c.1223C>T, p.Thr408Ile (NM_002621.2); short protein forms T408I.
Identifiers: ClinVar variation 2189538 (VCV002189538.5), dbSNP rs369493455, ClinGen allele CA10398838.